The following is an entry in ClinVar:

ClinVar aggregate classification (germline): Uncertain significance (1 of 4 stars; one submission).

Allele frequency attached by ClinVar (database versions not stated): ExAC 0.00001.
gnomAD v4.1: 1 of 1,614,130 alleles (0.000062%); no homozygotes.

Submission:

Labcorp Genetics (formerly Invitae), Labcorp
Classification: Uncertain significance. Last evaluated: 2022-09-07. Review status: criteria provided, single submitter. Criteria: Invitae Variant Classification Sherloc (09022015). Collection method: clinical testing. Allele origin: germline.
Comment: In summary, the available evidence is currently insufficient to determine the role of this variant in disease. Therefore, it has been classified as a Variant of Uncertain Significance. Algorithms developed to predict the effect of missense changes on protein structure and function (SIFT, PolyPhen-2, Align-GVGD) all suggest that this variant is likely to be disruptive. ClinVar contains an entry for this variant (Variation ID: 1473159). This variant has not been reported in the literature in individuals affected with RUSC2-related conditions. This variant is present in population databases (rs775126489, gnomAD 0.003%). This sequence change replaces alanine, which is neutral and non-polar, with serine, which is neutral and polar, at codon 1043 of the RUSC2 protein (p.Ala1043Ser).

NM_014806.5(RUSC2):c.3127G>T (p.Ala1043Ser)

Gene: RUSC2 (RUN and SH3 domain containing 2; plus strand). Cytogenetic location: 9p13.3.
Variant type: single nucleotide variant.
Coding change: c.3127G>T on transcript NM_014806.5 (MANE Select); coding-DNA position 3127, G replaced by T.
Protein change: p.Ala1043Ser; replaces alanine 1043 with serine.
Molecular consequence: missense variant. On other transcripts: non-coding transcript variant (1).
Genome position (GRCh38, 1-based): chr9:35,558,263, G>T. VCF-style: chr9-35558263-G-T. GRCh37 (hg19) VCF-style: chr9-35558260-G-T.
Other names: c.3127G>T, p.Ala1043Ser (NM_001135999.2); c.493G>T, p.Ala165Ser (NM_001330740.2); short protein forms A1043S, A165S.
Identifiers: ClinVar variation 1473159 (VCV001473159.8), dbSNP rs775126489, ClinGen allele CA5044059.